The following is an entry in ClinVar:

ClinVar aggregate classification (germline): Benign/Likely benign. Review status: criteria provided, multiple submitters, no conflicts (2 of 4 stars). 8 submissions from 8 submitters: Benign (2); Likely benign (6). Last evaluated 2025-12-19.

Conditions:
Classic or attenuated familial adenomatous polyposis. Identifiers: MedGen CN372698, MONDO:0021057.
Hereditary cancer-predisposing syndrome. Also called: Hereditary neoplastic syndrome; Neoplastic Syndromes, Hereditary; Hereditary Cancer Syndrome; Tumor predisposition. Identifiers: Orphanet 140162, MedGen C0027672, MeSH D009386, MONDO:0015356.
Familial adenomatous polyposis 1 (FAP1). Also called: POLYPOSIS, ADENOMATOUS INTESTINAL; FAMILIAL ADENOMATOUS POLYPOSIS 1, ATTENUATED. Identifiers: MedGen C2713442, MONDO:0021056, OMIM 175100. Disease mechanism: loss of function.

Allele frequency attached by ClinVar (database versions not stated): gnomAD 0.00001; gnomAD exomes 0.00001; TOPMed 0.00001.
gnomAD v4.1: 23 of 1,613,260 alleles (0.0014%); highest among the groups gnomAD compares: Non-Finnish European, 0.0019%; no homozygotes.

Submissions (8):

Labcorp Genetics (formerly Invitae), Labcorp
Classification: Likely benign for Familial adenomatous polyposis 1. Last evaluated: 2025-12-19. Review status: criteria provided, single submitter. Criteria: Invitae Variant Classification Sherloc (09022015). Collection method: clinical testing. Allele origin: germline.

Myriad Genetics, Inc.
Classification: Benign for Familial adenomatous polyposis 1. Last evaluated: 2024-04-08. Review status: criteria provided, single submitter. Criteria: Myriad Autosomal Dominant, Autosomal Recessive and X-Linked Classification Criteria (2023). Collection method: clinical testing. Allele origin: unknown.
Comment: This variant is considered benign. This variant is a silent/synonymous amino acid change and it is not expected to impact splicing.

All of Us Research Program, National Institutes of Health
Classification: Likely benign for Classic or attenuated familial adenomatous polyposis. Last evaluated: 2023-12-13. Review status: criteria provided, single submitter. Criteria: ACMG Guidelines, 2015. Collection method: clinical testing. Allele origin: germline. Inheritance: Autosomal dominant inheritance. Observed: 6 variant alleles, 6 heterozygotes.
Comment: This study involves interpretation of variants in research participants for the purpose of population health screening. Participant phenotype was not available at the time of variant classification. Additional details can be found in publication PMID: 35346344, PMCID: PMC8962531

Sema4
Classification: Likely benign for Hereditary cancer-predisposing syndrome. Last evaluated: 2021-09-23. Review status: criteria provided, single submitter. Criteria: Sema4 Curation Guidelines. Collection method: curation. Allele origin: germline.

Blueprint Genetics
Classification: Likely benign. Last evaluated: 2020-11-23. Review status: criteria provided, single submitter. Criteria: ACMG Guidelines, 2015. Collection method: clinical testing. Allele origin: germline.

Ambry Genetics
Classification: Likely benign for Hereditary cancer-predisposing syndrome. Last evaluated: 2017-03-14. Review status: criteria provided, single submitter. Criteria: Ambry Variant Classification Scheme 2023. Collection method: clinical testing. Allele origin: germline.

Color Diagnostics, LLC DBA Color Health
Classification: Likely benign for Hereditary cancer-predisposing syndrome. Last evaluated: 2016-07-11. Review status: criteria provided, single submitter. Criteria: ACMG Guidelines, 2015. Collection method: clinical testing. Allele origin: germline.

GeneDx
Classification: Benign. Last evaluated: 2015-05-29. Review status: criteria provided, single submitter. Criteria: GeneDx Variant Classification Process June 2021. Collection method: clinical testing. Allele origin: germline. Affected: yes.

NM_000038.6(APC):c.7107A>G (p.Pro2369=)

Gene: APC (APC regulator of Wnt signaling pathway; plus strand). Cytogenetic location: 5q22.2.
Variant type: single nucleotide variant.
Coding change: c.7107A>G on transcript NM_000038.6 (MANE Select); coding-DNA position 7107, A replaced by G.
Protein change: p.Pro2369=; no amino-acid change (proline 2369 retained).
Molecular consequence: synonymous variant.
Genome position (GRCh38, 1-based): chr5:112,842,701, A>G. VCF-style: chr5-112842701-A-G. GRCh37 (hg19) VCF-style: chr5-112178398-A-G.
Other names: c.7107A>G, p.Pro2369= (NM_001127510.3, NM_001354895.2); c.7053A>G, p.Pro2351= (NM_001127511.3); c.7161A>G, p.Pro2387= (NM_001354896.2); c.7137A>G, p.Pro2379= (NM_001354897.2); c.7032A>G, p.Pro2344= (NM_001354898.2); c.7023A>G, p.Pro2341= (NM_001354899.2); c.6984A>G, p.Pro2328= (NM_001354900.2); c.6930A>G, p.Pro2310= (NM_001354901.2); and 5 more.
Identifiers: ClinVar variation 470076 (VCV000470076.24), dbSNP rs778471612, ClinGen allele CA125167815.
Genomic context (GRCh38, chr5:112,842,701, plus strand): 5'-ATCCCCTAGTACTGCTTCAACTAAGTCCTCAGGTTCTGGAAAAATGTCATATACATCTCC[A>G]GGTAGACAGATGAGCCAACAGAACCTTACCAAACAAACAGGTTTATCCAAGAATGCCAGT-3'
Protein context (NP_000029.2, residues 2359-2379): SGSGKMSYTS[Pro2369=]GRQMSQQNLT